The following is an entry in ClinVar:

NM_001145809.2(MYH14):c.3470C>T (p.Ala1157Val)

Gene: MYH14 (myosin heavy chain 14; plus strand). Cytogenetic location: 19q13.33.
Variant type: single nucleotide variant.
Coding change: c.3470C>T on transcript NM_001145809.2 (MANE Select); coding-DNA position 3470, C replaced by T.
Protein change: p.Ala1157Val; replaces alanine 1157 with valine.
Molecular consequence: missense variant.
Genome position (GRCh38, 1-based): chr19:50,275,993, C>T. VCF-style: chr19-50275993-C-T. GRCh37 (hg19) VCF-style: chr19-50779250-C-T.
Other names: c.3371C>T, p.Ala1124Val (NM_001077186.2); c.3347C>T, p.Ala1116Val (NM_024729.4); short protein forms A1116V, A1157V, A1124V.
Identifiers: ClinVar variation 2996871 (VCV002996871.3), dbSNP rs1214829607, ClinGen allele CA406953667.

ClinVar aggregate classification (germline): Uncertain significance (1 of 4 stars; one submission).

Allele frequency attached by ClinVar (database versions not stated): gnomAD 0.00001; gnomAD exomes 0.00001.
gnomAD v4.1: 7 of 1,611,576 alleles (0.00043%); highest among the groups gnomAD compares: Admixed American, 0.0067%; no homozygotes.

Submission:

Labcorp Genetics (formerly Invitae), Labcorp
Classification: Uncertain significance. Last evaluated: 2023-11-13. Review status: criteria provided, single submitter. Criteria: Invitae Variant Classification Sherloc (09022015). Collection method: clinical testing. Allele origin: germline.
Comment: This sequence change replaces alanine, which is neutral and non-polar, with valine, which is neutral and non-polar, at codon 1116 of the MYH14 protein (p.Ala1116Val). This variant is present in population databases (no rsID available, gnomAD 0.009%). This variant has not been reported in the literature in individuals affected with MYH14-related conditions. Algorithms developed to predict the effect of missense changes on protein structure and function output the following: SIFT: "Not Available"; PolyPhen-2: "Benign"; Align-GVGD: "Not Available". The valine amino acid residue is found in multiple mammalian species, which suggests that this missense change does not adversely affect protein function. In summary, the available evidence is currently insufficient to determine the role of this variant in disease. Therefore, it has been classified as a Variant of Uncertain Significance.